The following is an entry in ClinVar:

ClinVar aggregate classification (germline): Conflicting classifications of pathogenicity. Review status: criteria provided, conflicting classifications (1 of 4 stars). 7 submissions from 7 submitters: Uncertain significance (3); Benign (1); Likely benign (3). Last evaluated 2026-03-12.

Conditions:
Hereditary cancer-predisposing syndrome. Also called: Tumor predisposition; Neoplastic Syndromes, Hereditary; Hereditary Cancer Syndrome; Hereditary neoplastic syndrome. Identifiers: Orphanet 140162, MedGen C0027672, MeSH D009386, MONDO:0015356.
Breast-ovarian cancer, familial, susceptibility to, 4. Identifiers: Orphanet 145, MedGen C3280345, MONDO:0013669, OMIM 614291.

Allele frequency attached by ClinVar (database versions not stated): gnomAD exomes below 0.00001; TOPMed 0.00001; gnomAD 0.00001; ESP Exome Variant Server 0.00008; ExAC 0.00001.

Submissions (7):

Myriad Genetics, Inc.
Classification: Likely benign for Breast-ovarian cancer, familial, susceptibility to, 4. Last evaluated: 2026-03-12. Review status: criteria provided, single submitter. Criteria: Myriad Autosomal Dominant, Autosomal Recessive and X-Linked Classification Criteria (2023). Collection method: clinical testing. Allele origin: unknown.
Comment: This variant is considered likely benign. This variant is strongly associated with less severe personal and family histories of cancer, typical for individuals without pathogenic variants in this gene [PMID: 25085752].

Labcorp Genetics (formerly Invitae), Labcorp
Classification: Benign for Breast-ovarian cancer, familial, susceptibility to, 4. Last evaluated: 2026-01-18. Review status: criteria provided, single submitter. Criteria: Invitae Variant Classification Sherloc (09022015). Collection method: clinical testing. Allele origin: germline.

Women's Health and Genetics/Laboratory Corporation of America, LabCorp
Classification: Likely benign. Last evaluated: 2025-04-29. Review status: criteria provided, single submitter. Criteria: LabCorp Variant Classification Summary - May 2015. Collection method: clinical testing. Allele origin: germline.
Comment: Variant summary: RAD51D c.481-5T>G alters a nucleotide located at a position not widely known to affect splicing. Consensus agreement among computation tools predict no significant impact on normal splicing. However, these predictions have yet to be confirmed by functional studies. The variant was absent in 242490 control chromosomes. The available data on variant occurrences in the general population are insufficient to allow any conclusion about variant significance. To our knowledge, no occurrence of c.481-5T>G in individuals affected with Hereditary Breast And Ovarian Cancer Syndrome and no experimental evidence demonstrating its impact on protein function have been reported. ClinVar contains an entry for this variant (Variation ID: 182859). Based on the evidence outlined above, the variant was classified as likely benign.

Quest Diagnostics Nichols Institute San Juan Capistrano
Classification: Uncertain significance. Last evaluated: 2023-06-28. Review status: criteria provided, single submitter. Criteria: Quest Diagnostics criteria. Collection method: clinical testing. Allele origin: unknown.
Comment: To the best of our knowledge, this variant has not been reported in the published literature. The frequency of this variant in the general population, 0.0000066 (1/152196 chromosomes (Genome Aggregation Database)), is uninformative in the assessment of its pathogenicity. Analysis of this variant using software algorithms for the prediction of the effect of nucleotide changes on RAD51D mRNA splicing yielded inconclusive findings . Based on the available information, we are unable to determine the clinical significance of this variant.

GeneDx
Classification: Uncertain significance. Last evaluated: 2022-10-21. Review status: criteria provided, single submitter. Criteria: GeneDx Variant Classification Process June 2021. Collection method: clinical testing. Allele origin: germline. Affected: yes.
Comment: Not observed at significant frequency in large population cohorts (gnomAD); Has not been previously published as pathogenic or benign to our knowledge; In silico analysis suggests this variant may impact gene splicing. In the absence of RNA/functional studies, the actual effect of this sequence change is unknown.

Color Diagnostics, LLC DBA Color Health
Classification: Uncertain significance for Hereditary cancer-predisposing syndrome. Last evaluated: 2021-04-15. Review status: criteria provided, single submitter. Criteria: ACMG Guidelines, 2015. Collection method: clinical testing. Allele origin: germline.
Comment: This variant causes a T to G nucleotide substitution at the -5 position of intron 5 of the RAD51D gene. Splice site prediction tools are inconclusive regarding the impact of this variant on RNA splicing. To our knowledge, this variant has not been reported in individuals affected with hereditary cancer in the literature. This variant has been identified in 1/238062 chromosomes in the general population by the Genome Aggregation Database (gnomAD). The available evidence is insufficient to determine the role of this variant in disease conclusively. Therefore, this variant is classified as a Variant of Uncertain Significance.

Ambry Genetics
Classification: Likely benign for Hereditary cancer-predisposing syndrome. Last evaluated: 2020-08-31. Review status: criteria provided, single submitter. Criteria: Ambry Variant Classification Scheme 2023. Collection method: clinical testing. Allele origin: germline.

Literature cited by the submitters: PubMed 25085752 (cited by Myriad Genetics, Inc.).

NM_002878.4(RAD51D):c.481-5T>G

Genes: RAD51D (RAD51 paralog D; minus strand), RAD51L3-RFFL (RAD51L3-RFFL readthrough; minus strand). Cytogenetic location: 17q12.
Variant type: single nucleotide variant.
Coding change: c.481-5T>G on transcript NM_002878.4 (MANE Select); 5 bases into the intron before coding-DNA position 481, T replaced by G.
Molecular consequence: intron variant.
Genome position (GRCh38, 1-based): chr17:35,106,486, A>C on the plus strand (T>G on the coding strand, the complement: RAD51D is on the minus strand). VCF-style: chr17-35106486-A-C. GRCh37 (hg19) VCF-style: chr17-33433505-A-C.
Other names: c.145-5T>G (NM_133629.3); c.541-5T>G (NM_001142571.2).
Identifiers: ClinVar variation 182859 (VCV000182859.23), dbSNP rs374382703, ClinGen allele CA299935.